The following is an entry in ClinVar:

NM_001754.5(RUNX1):c.574G>A (p.Ala192Thr)

Genes: RUNX1 (RUNX family transcription factor 1; minus strand), RUNX1-AS1 (RUNX1 antisense RNA 1; plus strand). Cytogenetic location: 21q22.12.
Variant type: single nucleotide variant.
Coding change: c.574G>A on transcript NM_001754.5 (MANE Select); coding-DNA position 574, G replaced by A.
Protein change: p.Ala192Thr; replaces alanine 192 with threonine.
Molecular consequence: missense variant.
Genome position (GRCh38, 1-based): chr21:34,859,513, C>T on the plus strand (G>A on the coding strand, the complement: RUNX1 is on the minus strand). VCF-style: chr21-34859513-C-T. GRCh37 (hg19) VCF-style: chr21-36231810-C-T.
Other names: NM_001754.5(RUNX1):c.574G>A; p.Ala192Thr; c.493G>A, p.Ala165Thr (NM_001001890.3, NM_001122607.2); short protein forms A165T, A192T.
Identifiers: ClinVar variation 3368645 (VCV003368645.2).

ClinVar aggregate classification (germline): Uncertain significance. Review status: reviewed by expert panel (3 of 4 stars). 2 submissions from 2 submitters: Uncertain significance (1). 1 of the submissions does not count toward it. Last evaluated 2025-02-25.

Conditions:
Hereditary thrombocytopenia and hematologic cancer predisposition syndrome. Identifiers: Orphanet 71290, MedGen CN281654, MONDO:0011071.

Submissions (2):

ClinGen Myeloid Malignancy Variant Curation Expert Panel
Classification: Uncertain significance for Hereditary thrombocytopenia and hematologic cancer predisposition syndrome. Last evaluated: 2025-02-25. Review status: reviewed by expert panel. Criteria: ClinGen MyeloMalig ACMG Specifications v2. Collection method: curation. Allele origin: germline. Inheritance: Autosomal dominant inheritance.
Comment: NM_001754.5(RUNX1):c.574G>A (p.Ala192Thr) is a missense variant where the variant is within the Runt Homology Domain between the residues (AA 89-204) (PM1_Supporting). This variant is completely absent from all population databases with at least 20x coverage for RUNX1 (PM2_Supporting). Even though this variant does not have an available REVEL score or a SpliceAI score ≥ 0.38 (0.00), multiple other predictors (SIFT, PolyPhen2-HDIV, PolyPhen2-HVAR, LRT, MutationTaster, MutationAssessor, FATHMM, PROVEAN, MetaSVM, MetaLR, FATHMM-MKL) predict a deleterious impact of this variant (PP3). In summary, the clinical significance of this variant is uncertain. ACMG/AMP criteria applied, as specified by the Myeloid Malignancy Variant Curation Expert Panel for RUNX1: PM1_Supporting, PM2_Supporting, PP3.

GeneDx
Classification: Uncertain significance. Last evaluated: 2024-02-09. Review status: criteria provided, single submitter. Criteria: GeneDx Variant Classification Process June 2021. Collection method: clinical testing. Allele origin: germline. Affected: yes. Not counted in ClinVar's aggregate classification.
Comment: Not observed at significant frequency in large population cohorts (gnomAD); In silico analysis supports that this missense variant has a deleterious effect on protein structure/function; Has not been previously published as pathogenic or benign to our knowledge